The following is an entry in ClinVar:

ClinVar aggregate classification (germline): Pathogenic/Likely pathogenic. Review status: criteria provided, multiple submitters, no conflicts (2 of 4 stars). 12 submissions from 12 submitters: Pathogenic (10); Likely pathogenic (1). 1 of the submissions does not count toward it. Last evaluated 2026-09-30.

Conditions:
CEP290-related ciliopathy. Also called: CEP290 ciliopathy. Identifiers: MedGen CN305601, MONDO:0100451.
CEP290-related disorder. Also called: CEP290-related disorders; CEP290-related condition. Identifiers: MedGen CN239314.
Retinal dystrophy. Also called: Inherited retinal dystrophy. Identifiers: Orphanet 71862, MedGen C0854723, MeSH D058499, MONDO:0019118, HP:0000556.
Nephronophthisis. Also called: Juvenile Nephronophthisis. Identifiers: Orphanet 655, MedGen C0687120, MONDO:0019005, HP:0000090.
Joubert syndrome. Also called: Familial aplasia of the vermis; JOUBERT-BOLTSHAUSER SYNDROME. Identifiers: Orphanet 475, MedGen C5979921, MONDO:0018772.
Meckel-Gruber syndrome. Also called: Dysencephalia splachnocystica; DYSENCEPHALIA SPLANCHNOCYSTICA; GRUBER SYNDROME. Identifiers: Orphanet 564, MedGen C0265215, MONDO:0018921.
Meckel syndrome, type 4 (MKS4). Also called: MECKEL-GRUBER SYNDROME, TYPE 4. Identifiers: Orphanet 564, MedGen C1970161, MONDO:0012626, OMIM 611134.
Joubert syndrome 5 (JBTS5). Identifiers: Orphanet 2318, MedGen C1857780, MONDO:0012432, OMIM 610188.
Bardet-Biedl syndrome 14 (BBS14). Identifiers: Orphanet 110, MedGen C2673874, MONDO:0014442, OMIM 615991.
Leber congenital amaurosis 10 (LCA10). Identifiers: Orphanet 65, MedGen C1857821, MONDO:0012723, OMIM 611755.
Senior-Loken syndrome 6 (SLSN6). Identifiers: Orphanet 3156, MedGen C1857779, MONDO:0012433, OMIM 610189.
Leber congenital amaurosis (LCA). Also called: Leber's amaurosis. Identifiers: Orphanet 65, MedGen C0339527, MeSH D057130, MONDO:0018998.

Allele frequency attached by ClinVar (database versions not stated): TOPMed 0.00003; gnomAD 0.00001; gnomAD exomes 0.00001.
gnomAD v4.1: 26 of 1,478,804 alleles (0.0018%); highest among the groups gnomAD compares: Non-Finnish European, 0.0023%; no homozygotes.

Submissions (12):

GeneDx
Classification: Pathogenic. Last evaluated: 2026-09-30. Review status: criteria provided, single submitter. Criteria: GeneDx Variant Classification Process June 2021. Collection method: clinical testing. Allele origin: germline.
Comment: Canonical splice site variant predicted to result in an in-frame loss of the adjacent exon in a gene for which loss of function is a known mechanism of disease; Not observed at significant frequency in large population cohorts (gnomAD); This variant is associated with the following publications: (PMID: 30718709, 31964843, 36369640, 25525159, 17564967, 29178642, 28559085, 31734136, 17345604, 38219857, 38259611, 38927562, 38709228, 37224330, 37440031, 37734845, 32531858)

Myriad Genetics, Inc.
Classification: Pathogenic for CEP290-related ciliopathy. Last evaluated: 2025-11-04. Review status: criteria provided, single submitter. Criteria: Myriad Autosomal Dominant, Autosomal Recessive and X-Linked Classification Criteria (2023). Collection method: clinical testing. Allele origin: unknown.
Comment: NM_025114.3(CEP290):c.5587-1G>C is a variant in a canonical splice site classified as pathogenic in the context of CEP290-related disorders. c.5587-1G>C has been observed in cases with relevant disease (PMID: 29178642, 17345604). Relevant functional assessments of this variant are not available in the literature. c.5587-1G>C has been observed in referenced population frequency databases. In summary, NM_025114.3(CEP290):c.5587-1G>C is a variant in a canonical splice site that has been observed more frequently in cases with the relevant disease than in healthy populations. Please note: this variant was assessed in the context of healthy population screening.

Natera, Inc.
Classification: Pathogenic for Leber congenital amaurosis. Last evaluated: 2025-08-08. Review status: criteria provided, single submitter. Criteria: Natera Variant Classification Schema (03/2026). Collection method: clinical testing. Allele origin: germline.
Comment: The c.5587-1G>C variant in CEP290 is a canonical splice acceptor site variant predicted to affect pre-mRNA splicing, which may result in an abnormal transcript and altered protein product. This variant may result in a truncated or dysfunctional protein product. This variant is rare in the general population with a frequency below the threshold expected for the associated phenotype(s). This variant has been observed in one or more individuals affected with the associated recessive disease, as either homozygous or compound heterozygous with a second variant (PMID: 17705300). Given the available evidence, this variant is classified as Pathogenic.

PreventionGenetics, part of Exact Sciences
Classification: Pathogenic for CEP290-related condition. Last evaluated: 2024-12-16. Review status: criteria provided, single submitter. Criteria: ACMG Guidelines, 2015. Collection method: clinical testing. Allele origin: germline.
Comment: The CEP290 c.5587-1G>C variant is predicted to disrupt the AG splice acceptor site and interfere with normal splicing. This variant has been reported in many individuals with Leber congenital amaurosis (Perrault et al. 2007. PubMed ID: 17345604; Table S1, Stone et al. 2017. PubMed ID: 28559085; Thompson et al. 2017. PubMed ID: 29178642; Feldhaus et al. 2019. PubMed ID: 31734136; Table S1, Lin et al. 2024. PubMed ID: 38219857). This variant is reported in 0.0031% of alleles in individuals of European (Non-Finnish) descent in gnomAD. Variants that disrupt the consensus splice acceptor site in CEP290 are an established mechanism of disease. Given the evidence, we interpret this variant as pathogenic.

Labcorp Genetics (formerly Invitae), Labcorp
Classification: Pathogenic for Joubert syndrome; Meckel-Gruber syndrome; Nephronophthisis. Last evaluated: 2024-08-29. Review status: criteria provided, single submitter. Criteria: Invitae Variant Classification Sherloc (09022015). Collection method: clinical testing. Allele origin: germline.
Comment: This sequence change affects an acceptor splice site in intron 40 of the CEP290 gene. It is expected to disrupt RNA splicing. Variants that disrupt the donor or acceptor splice site typically lead to a loss of protein function (PMID: 16199547), and loss-of-function variants in CEP290 are known to be pathogenic (PMID: 16909394, 17345604, 20690115). This variant is present in population databases (no rsID available, gnomAD 0.003%). Disruption of this splice site has been observed in individual(s) with Joubert syndrome, Leber congenital amaurosis, or retinitis pigmentosa (PMID: 17345604, 28559085, 29178642). ClinVar contains an entry for this variant (Variation ID: 636006). Algorithms developed to predict the effect of sequence changes on RNA splicing suggest that this variant may disrupt the consensus splice site. For these reasons, this variant has been classified as Pathogenic.

Baylor Genetics
Classification: Pathogenic for Bardet-Biedl syndrome 14. Last evaluated: 2024-03-19. Review status: criteria provided, single submitter. Criteria: ACMG Guidelines, 2015. Collection method: clinical testing. Allele origin: unknown.

Fulgent Genetics
Classification: Likely pathogenic for Joubert syndrome 5; Senior-Loken syndrome 6; Meckel syndrome, type 4; Leber congenital amaurosis 10; Bardet-Biedl syndrome 14. Last evaluated: 2024-03-10. Review status: criteria provided, single submitter. Criteria: ACMG Guidelines, 2015. Collection method: clinical testing. Allele origin: germline.

Blueprint Genetics
Classification: Pathogenic for CEP290-related disorders. Last evaluated: 2022-11-01. Review status: criteria provided, single submitter. Criteria: ACMG Guidelines, 2015. Collection method: clinical testing. Allele origin: germline. Affected: yes. Observed: 5 variant alleles.

Institute of Human Genetics, Univ. Regensburg, Univ. Regensburg
Classification: Pathogenic for Retinal dystrophy. Last evaluated: 2022-01-01. Review status: criteria provided, single submitter. Criteria: ACMG Guidelines, 2015. Collection method: clinical testing. Allele origin: germline. Affected: yes.

Institute of Medical Genetics and Applied Genomics, University Hospital Tübingen
Classification: Pathogenic. Last evaluated: 2020-10-23. Review status: criteria provided, single submitter. Criteria: ACMG Guidelines, 2015. Collection method: clinical testing. Allele origin: germline. Inheritance: Autosomal recessive inheritance. Affected: yes.

CeGaT Center for Human Genetics Tuebingen
Classification: Pathogenic. Last evaluated: 2020-08-01. Review status: criteria provided, single submitter. Criteria: CeGaT Center For Human Genetics Tuebingen Variant Classification Criteria Version 2. Collection method: clinical testing. Allele origin: germline. Affected: yes. Observed: 3 variant alleles.

Department of Clinical Genetics, Copenhagen University Hospital, Rigshospitalet
Classification: Pathogenic for Leber congenital amaurosis. Last evaluated: 2018-04-01. Review status: no assertion criteria provided. Collection method: research. Allele origin: unknown. Affected: yes. Study: VeluxRD. Not counted in ClinVar's aggregate classification.

Literature cited by the submitters: PubMed 17345604 (cited by 3 submitters); PubMed 29178642 (cited by 3 submitters); PubMed 17705300 (cited by Natera, Inc.); PubMed 16199547 (cited by Labcorp Genetics (formerly Invitae), Labcorp); PubMed 16909394 (cited by Labcorp Genetics (formerly Invitae), Labcorp); PubMed 20690115 (cited by Labcorp Genetics (formerly Invitae), Labcorp); PubMed 28559085 (cited by Labcorp Genetics (formerly Invitae), Labcorp and Institute of Human Genetics, Univ. Regensburg, Univ. Regensburg); PubMed 25525159 (cited by Institute of Human Genetics, Univ. Regensburg, Univ. Regensburg); PubMed 31734136 (cited by Institute of Human Genetics, Univ. Regensburg, Univ. Regensburg); PubMed 31964843 (cited by Institute of Human Genetics, Univ. Regensburg, Univ. Regensburg); PubMed 32531858 (cited by Institute of Human Genetics, Univ. Regensburg, Univ. Regensburg); PubMed 36369640 (cited by Institute of Human Genetics, Univ. Regensburg, Univ. Regensburg); PubMed 30718709 (cited by Department of Clinical Genetics, Copenhagen University Hospital, Rigshospitalet).

NM_025114.4(CEP290):c.5587-1G>C

Gene: CEP290 (centrosomal protein 290; minus strand). Cytogenetic location: 12q21.32.
Variant type: single nucleotide variant.
Coding change: c.5587-1G>C on transcript NM_025114.4 (MANE Select); the canonical splice acceptor site of the intron before coding-DNA position 5587, G replaced by C.
Molecular consequence: splice acceptor variant.
Genome position (GRCh38, 1-based): chr12:88,077,345, C>G on the plus strand (G>C on the coding strand, the complement: CEP290 is on the minus strand). VCF-style: chr12-88077345-C-G. GRCh37 (hg19) VCF-style: chr12-88471122-C-G.
Identifiers: ClinVar variation 636006 (VCV000636006.63), dbSNP rs968692633, ClinGen allele CA241153138.